The following is an entry in ClinVar:

ClinVar aggregate classification (germline): Likely benign. Review status: criteria provided, multiple submitters, no conflicts (2 of 4 stars). 2 submissions from 2 submitters: Likely benign (2). Last evaluated 2025-07-02.

gnomAD v4.1: 62 of 1,614,140 alleles (0.0038%); highest among the groups gnomAD compares: East Asian, 0.069%; no homozygotes.

Submissions (2):

Mayo Clinic Laboratories, Mayo Clinic
Classification: Likely benign. Last evaluated: 2025-07-02. Review status: criteria provided, single submitter. Criteria: ACMG Guidelines, 2015. Collection method: clinical testing. Allele origin: germline. Observed: 1 variant allele.
Comment: BP4, BP7

Ambry Genetics
Classification: Likely benign. Last evaluated: 2025-01-09. Review status: criteria provided, single submitter. Criteria: Ambry Variant Classification Scheme 2023. Collection method: clinical testing. Allele origin: germline.

NM_032782.5(HAVCR2):c.150C>T (p.Pro50=)

Gene: HAVCR2 (hepatitis A virus cellular receptor 2; minus strand). Cytogenetic location: 5q33.3.
Variant type: single nucleotide variant.
Coding change: c.150C>T on transcript NM_032782.5 (MANE Select); coding-DNA position 150, C replaced by T.
Protein change: p.Pro50=; no amino-acid change (proline 50 retained).
Molecular consequence: synonymous variant.
Genome position (GRCh38, 1-based): chr5:157,106,871, G>A on the plus strand (C>T on the coding strand, the complement: HAVCR2 is on the minus strand). VCF-style: chr5-157106871-G-A. GRCh37 (hg19) VCF-style: chr5-156533882-G-A.
Other names: p.Pro50=.
Identifiers: ClinVar variation 3856849 (VCV003856849.2).